The following is an entry in ClinVar:

ClinVar aggregate classification (germline): Uncertain significance (1 of 4 stars; one submission).

Conditions:
ABCC6-related disorder. Also called: ABCC6-related condition.

gnomAD v4.1: 1 of 1,613,966 alleles (0.000062%); highest among the groups gnomAD compares: African/African-American, 0.0013%; no homozygotes.

Submission:

PreventionGenetics, part of Exact Sciences
Classification: Uncertain significance for ABCC6-related condition. Last evaluated: 2026-06-21. Review status: criteria provided, single submitter. Criteria: ACMG Guidelines, 2015. Collection method: clinical testing. Allele origin: germline.
Comment: The ABCC6 c.1528T>A variant is predicted to result in the amino acid substitution p.Phe510Ile. To our knowledge, this variant has not been reported in the literature or in a large population database (gnomAD), indicating this variant is rare. At this time, the clinical significance of this variant is uncertain due to the absence of conclusive functional and genetic evidence.

NM_001171.6(ABCC6):c.1528T>A (p.Phe510Ile)

Gene: ABCC6 (ATP binding cassette subfamily C member 6; minus strand). Cytogenetic location: 16p13.11.
Variant type: single nucleotide variant.
Coding change: c.1528T>A on transcript NM_001171.6 (MANE Select); coding-DNA position 1528, T replaced by A.
Protein change: p.Phe510Ile; replaces phenylalanine 510 with isoleucine.
Molecular consequence: missense variant. On other transcripts: non-coding transcript variant (4).
Genome position (GRCh38, 1-based): chr16:16,190,271, A>T on the plus strand (T>A on the coding strand, the complement: ABCC6 is on the minus strand). VCF-style: chr16-16190271-A-T. GRCh37 (hg19) VCF-style: chr16-16284128-A-T.
Other names: c.1186T>A, p.Phe396Ile (NM_001351800.1); c.1528T>A, p.Phe510Ile (NM_001440309.1, NM_001440310.1); short protein forms F396I, F510I.
Identifiers: ClinVar variation 4996300 (VCV004996300.1).